The following is an entry in ClinVar:

NM_022455.5(NSD1):c.6625G>T (p.Gly2209Trp)

Gene: NSD1 (nuclear receptor binding SET domain protein 1; plus strand). Cytogenetic location: 5q35.3.
Variant type: single nucleotide variant.
Coding change: c.6625G>T on transcript NM_022455.5 (MANE Select); coding-DNA position 6625, G replaced by T.
Protein change: p.Gly2209Trp; replaces glycine 2209 with tryptophan.
Molecular consequence: missense variant.
Genome position (GRCh38, 1-based): chr5:177,293,993, G>T. VCF-style: chr5-177293993-G-T. GRCh37 (hg19) VCF-style: chr5-176720994-G-T.
Other names: c.5752G>T, p.Gly1918Trp (NM_001365684.2, NM_001409308.1, NM_172349.5); c.6625G>T, p.Gly2209Trp (NM_001409301.1, NM_001409302.1, NM_001409303.1); c.6205G>T, p.Gly2069Trp (NM_001409304.1); c.5872G>T, p.Gly1958Trp (NM_001409305.1); c.5863G>T, p.Gly1955Trp (NM_001409306.1, NM_001409307.1); c.5503G>T, p.Gly1835Trp (NM_001409309.1); short protein forms G1940W, G2209W, G1835W, G1918W, G1955W, G1958W, G2069W.
Identifiers: ClinVar variation 1002374 (VCV001002374.9), dbSNP rs1760067330, ClinGen allele CA362324442.

ClinVar aggregate classification (germline): Uncertain significance (1 of 4 stars; one submission).

Submission:

Labcorp Genetics (formerly Invitae), Labcorp
Classification: Uncertain significance. Last evaluated: 2020-06-26. Review status: criteria provided, single submitter. Criteria: Invitae Variant Classification Sherloc (09022015). Collection method: clinical testing. Allele origin: germline.
Comment: This sequence change replaces glycine with tryptophan at codon 2209 of the NSD1 protein (p.Gly2209Trp). The glycine residue is highly conserved and there is a large physicochemical difference between glycine and tryptophan. This variant is not present in population databases (ExAC no frequency). This variant has not been reported in the literature in individuals with NSD1-related conditions. Algorithms developed to predict the effect of missense changes on protein structure and function are either unavailable or do not agree on the potential impact of this missense change (SIFT: "Deleterious"; PolyPhen-2: "Probably Damaging"; Align-GVGD: "Class C15"). In summary, the available evidence is currently insufficient to determine the role of this variant in disease. Therefore, it has been classified as a Variant of Uncertain Significance.